The following is an entry in ClinVar:

ClinVar aggregate classification (germline): Likely benign. Review status: criteria provided, multiple submitters, no conflicts (2 of 4 stars). 3 submissions from 3 submitters: Likely benign (2). 1 of the submissions does not count toward it. Last evaluated 2026-01-20.

Conditions:
ADAMTS10-related disorder. Also called: ADAMTS10-related condition.
Weill-Marchesani syndrome. Also called: WM Syndrome; Mesodermal dysmorphodystrophy congenital. Identifiers: Orphanet 3449, MedGen C0265313, MONDO:0018096.

Allele frequency attached by ClinVar (database versions not stated): gnomAD 0.00012; gnomAD exomes 0.00014 and 0.00069; TOPMed 0.00029; 1000 Genomes Project 0.00040; 1000 Genomes Project 30x 0.00047; ExAC 0.00054.
gnomAD v4.1: 223 of 1,614,158 alleles (0.014%); highest among the groups gnomAD compares: Admixed American, 0.33%; 2 homozygotes.

Submissions (3):

Labcorp Genetics (formerly Invitae), Labcorp
Classification: Likely benign. Last evaluated: 2026-01-20. Review status: criteria provided, single submitter. Criteria: Invitae Variant Classification Sherloc (09022015). Collection method: clinical testing. Allele origin: germline.

Illumina Laboratory Services, Illumina
Classification: Likely benign for Weill-Marchesani syndrome. Last evaluated: 2018-01-13. Review status: criteria provided, single submitter. Criteria: ICSL Variant Classification Criteria 13 December 2019. Collection method: clinical testing. Allele origin: germline.
Comment: This variant was observed in the ICSL laboratory as part of a predisposition screen in an ostensibly healthy population. It had not been previously curated by ICSL or reported in the Human Gene Mutation Database (HGMD: prior to June 1st, 2018), and was therefore a candidate for classification through an automated scoring system. Utilizing variant allele frequency, disease prevalence and penetrance estimates, and inheritance mode, an automated score was calculated to assess if this variant is too frequent to cause the disease. Based on the score and internal cut-off values, a variant classified as likely benign is not then subjected to further curation. The score for this variant resulted in a classification of likely benign for this disease.

PreventionGenetics, part of Exact Sciences
Classification: Likely benign for ADAMTS10-related condition. Last evaluated: 2022-04-01. Review status: no assertion criteria provided. Collection method: clinical testing. Allele origin: germline. Not counted in ClinVar's aggregate classification.
Comment: This variant is classified as likely benign based on ACMG/AMP sequence variant interpretation guidelines (Richards et al. 2015 PMID: 25741868, with internal and published modifications).

NM_030957.4(ADAMTS10):c.1367G>A (p.Arg456Gln)

Gene: ADAMTS10 (ADAM metallopeptidase with thrombospondin type 1 motif 10; minus strand). Cytogenetic location: 19p13.2.
Variant type: single nucleotide variant.
Coding change: c.1367G>A on transcript NM_030957.4 (MANE Select); coding-DNA position 1367, G replaced by A.
Protein change: p.Arg456Gln; replaces arginine 456 with glutamine.
Molecular consequence: missense variant.
Genome position (GRCh38, 1-based): chr19:8,595,874, C>T on the plus strand (G>A on the coding strand, the complement: ADAMTS10 is on the minus strand). VCF-style: chr19-8595874-C-T. GRCh37 (hg19) VCF-style: chr19-8660758-C-T.
Other names: short protein forms R456Q.
Identifiers: ClinVar variation 728411 (VCV000728411.15), dbSNP rs199769798, ClinGen allele CA9160534.